The following is an entry in ClinVar:

NM_174858.3(AK5):c.360G>A (p.Glu120=)

Gene: AK5 (adenylate kinase 5; plus strand). Cytogenetic location: 1p31.1.
Variant type: single nucleotide variant.
Coding change: c.360G>A on transcript NM_174858.3 (MANE Select); coding-DNA position 360, G replaced by A.
Protein change: p.Glu120=; no amino-acid change (glutamic acid 120 retained).
Molecular consequence: synonymous variant.
Genome position (GRCh38, 1-based): chr1:77,293,905, G>A. VCF-style: chr1-77293905-G-A. GRCh37 (hg19) VCF-style: chr1-77759590-G-A.
Other names: c.282G>A, p.Glu94= (NM_012093.4).
Identifiers: ClinVar variation 2638889 (VCV002638889.24), dbSNP rs147092224, ClinGen allele CA916194.
Genomic context (GRCh38, chr1:77,293,905, plus strand): 5'-AATCCATCAATTCTCCATAGAAAGTGACACGGATCTCTCTGAGACTGCAGAGTTGATTGA[G>A]GAGTATGAGGTTTTTGATCCTACCAGACCTCGACCAAAAATCATTCTTGTTATAGGTATG-3'
Protein context (NP_777283.1, residues 110-130): TDLSETAELI[Glu120=]EYEVFDPTRP

ClinVar aggregate classification (germline): Likely benign (1 of 4 stars; one submission).

Allele frequency attached by ClinVar (database versions not stated): ExAC 0.00007; gnomAD 0.00021; ESP Exome Variant Server 0.00031; 1000 Genomes Project 30x 0.00047; 1000 Genomes Project 0.00060.
gnomAD v4.1: 57 of 1,613,434 alleles (0.0035%); highest among the groups gnomAD compares: Middle Eastern, 0.099%; no homozygotes.

Submission:

CeGaT Center for Human Genetics Tuebingen
Classification: Likely benign. Last evaluated: 2022-03-01. Review status: criteria provided, single submitter. Criteria: CeGaT Center For Human Genetics Tuebingen Variant Classification Criteria Version 2. Collection method: clinical testing. Allele origin: germline. Affected: yes. Observed: 1 variant allele.
Comment: AK5: BP4, BP7